The following is an entry in ClinVar:

NM_000210.4(ITGA6):c.*1459G>T

Genes: ITGA6 (integrin subunit alpha 6; plus strand), PDK1-AS1 (PDK1 and ITGA6 antisense RNA 1; minus strand). Cytogenetic location: 2q31.1.
Variant type: single nucleotide variant.
Coding change: c.*1459G>T on transcript NM_000210.4 (MANE Select); 1459 bases downstream of the stop codon, G replaced by T.
Molecular consequence: 3 prime UTR variant.
Genome position (GRCh38, 1-based): chr2:172,505,527, G>T. VCF-style: chr2-172505527-G-T. GRCh37 (hg19) VCF-style: chr2-173370255-G-T.
Other names: c.*1275G>T (NM_001079818.3, NM_001365529.2); c.*1459G>T (NM_001316306.2, NM_001365530.2).
Identifiers: ClinVar variation 332412 (VCV000332412.5), dbSNP rs142884581, ClinGen allele CA10612811.

ClinVar aggregate classification (germline): Benign (1 of 4 stars; one submission).

Conditions:
Junctional epidermolysis bullosa with pyloric atresia. Also called: ITGB4-Related Epidermolysis Bullosa with Pyloric Atresia; ITGA6-Related Epidermolysis Bullosa with Pyloric Atresia; EPIDERMOLYSIS BULLOSA, JUNCTIONAL 5B, WITH PYLORIC ATRESIA; APLASIA CUTIS CONGENITA WITH GASTROINTESTINAL ATRESIA; CARMI SYNDROME; EB-PA-ACC. Identifiers: Orphanet 79403, MedGen C5676875, MONDO:0009183, OMIM 226730.

Allele frequency attached by ClinVar (database versions not stated): gnomAD 0.00362 and 0.00507; TOPMed 0.00460; 1000 Genomes Project 30x 0.01577; 1000 Genomes Project 0.01637.

Submission:

Illumina Laboratory Services, Illumina
Classification: Benign for Junctional epidermolysis bullosa with pyloric atresia. Last evaluated: 2018-01-12. Review status: criteria provided, single submitter. Criteria: ICSL Variant Classification Criteria 13 December 2019. Collection method: clinical testing. Allele origin: germline.
Comment: This variant was observed in the ICSL laboratory as part of a predisposition screen in an ostensibly healthy population. It had not been previously curated by ICSL or reported in the Human Gene Mutation Database (HGMD: prior to June 1st, 2018), and was therefore a candidate for classification through an automated scoring system. Utilizing variant allele frequency, disease prevalence and penetrance estimates, and inheritance mode, an automated score was calculated to assess if this variant is too frequent to cause the disease. Based on the score and internal cut-off values, a variant classified as benign is not then subjected to further curation. The score for this variant resulted in a classification of benign for this disease.